The following is an entry in ClinVar:

ClinVar aggregate classification (germline): Uncertain significance (1 of 4 stars; one submission).

Conditions:
Benign neonatal seizures. Also called: Benign familial neonatal seizures; Convulsions benign familial neonatal dominant form; Autosomal dominant form of benign neonatal seizures; Benign familial neonatal epilepsy; Benign neonatal familial convulsions. Identifiers: Orphanet 1949, MedGen C0220669, MONDO:0016027.

Allele frequency attached by ClinVar (database versions not stated): gnomAD exomes below 0.00001.
gnomAD v4.1: 2 of 1,612,794 alleles (0.00012%); highest among the groups gnomAD compares: Non-Finnish European, 0.00017%; no homozygotes.

Submission:

Labcorp Genetics (formerly Invitae), Labcorp
Classification: Uncertain significance for Benign neonatal seizures. Last evaluated: 2020-10-30. Review status: criteria provided, single submitter. Criteria: Invitae Variant Classification Sherloc (09022015). Collection method: clinical testing. Allele origin: germline.
Comment: This variant has not been reported in the literature in individuals with KCNQ3-related conditions. This variant is not present in population databases (ExAC no frequency). This sequence change replaces proline with leucine at codon 118 of the KCNQ3 protein (p.Pro118Leu). The proline residue is moderately conserved and there is a moderate physicochemical difference between proline and leucine. Advanced modeling of protein sequence and biophysical properties (such as structural, functional, and spatial information, amino acid conservation, physicochemical variation, residue mobility, and thermodynamic stability) performed at Invitae indicates that this missense variant is expected to disrupt KCNQ3 protein function. In summary, the available evidence is currently insufficient to determine the role of this variant in disease. Therefore, it has been classified as a Variant of Uncertain Significance.

NM_004519.4(KCNQ3):c.353C>T (p.Pro118Leu)

Gene: KCNQ3 (potassium voltage-gated channel subfamily Q member 3; minus strand). Cytogenetic location: 8q24.22.
Variant type: single nucleotide variant.
Coding change: c.353C>T on transcript NM_004519.4 (MANE Select); coding-DNA position 353, C replaced by T.
Protein change: p.Pro118Leu; replaces proline 118 with leucine.
Molecular consequence: missense variant.
Genome position (GRCh38, 1-based): chr8:132,480,180, G>A on the plus strand (C>T on the coding strand, the complement: KCNQ3 is on the minus strand). VCF-style: chr8-132480180-G-A. GRCh37 (hg19) VCF-style: chr8-133492427-G-A.
Other names: short protein forms P118L.
Identifiers: ClinVar variation 1003299 (VCV001003299.8), dbSNP rs1822515868, ClinGen allele CA372292380.